The following is an entry in ClinVar:

ClinVar aggregate classification (germline): Pathogenic. Review status: criteria provided, multiple submitters, no conflicts (2 of 4 stars). 3 submissions from 3 submitters: Pathogenic (3). Last evaluated 2024-05-08.

Conditions:
Polyglandular autoimmune syndrome, type 1 (APS1). Also called: PGA I; Autoimmune polyendocrine syndrome type 1; HYPOADRENOCORTICISM WITH HYPOPARATHYROIDISM AND SUPERFICIAL MONILIASIS; Autoimmune polyendocrinopathy syndrome, type I; Autoimmune polyendocrinopathy syndrome , type I, with or without reversible metaphyseal dysplasia; AUTOIMMUNE POLYENDOCRINE SYNDROME, TYPE I, WITH OR WITHOUT REVERSIBLE METAPHYSEAL DYSPLASIA. Identifiers: Orphanet 3453, MedGen C0085859, MONDO:0009411, OMIM 240300.

Submissions (3):

Myriad Genetics, Inc.
Classification: Pathogenic for Polyglandular autoimmune syndrome, type 1. Last evaluated: 2024-05-08. Review status: criteria provided, single submitter. Criteria: Myriad Autosomal Dominant, Autosomal Recessive and X-Linked Classification Criteria (2023). Collection method: clinical testing. Allele origin: unknown.
Comment: NM_000383.3(AIRE):c.823delC(Q275Sfs*103) is expected to be pathogenic in the context of autoimmune polyglandular syndrome type 1. This variant is predicted to lead to an abnormal or absent protein product due to the creation of a premature termination codon in AIRE, a gene where loss-of-function variants are known to be pathogenic. Please note: this variant was assessed in the context of healthy population screening.

Labcorp Genetics (formerly Invitae), Labcorp
Classification: Pathogenic for Polyglandular autoimmune syndrome, type 1. Last evaluated: 2024-01-05. Review status: criteria provided, single submitter. Criteria: Invitae Variant Classification Sherloc (09022015). Collection method: clinical testing. Allele origin: germline.
Comment: This sequence change creates a premature translational stop signal (p.Gln275Serfs*103) in the AIRE gene. It is expected to result in an absent or disrupted protein product. Loss-of-function variants in AIRE are known to be pathogenic (PMID: 11524731, 26141571). This variant is present in population databases (rs764819068, gnomAD 0.002%). This variant has not been reported in the literature in individuals affected with AIRE-related conditions. ClinVar contains an entry for this variant (Variation ID: 372300). Algorithms developed to predict the effect of sequence changes on RNA splicing suggest that this variant may disrupt the consensus splice site. For these reasons, this variant has been classified as Pathogenic.

GeneDx
Classification: Pathogenic. Last evaluated: 2015-04-30. Review status: criteria provided, single submitter. Criteria: GeneDx Variant Classification (06012015). Collection method: clinical testing. Allele origin: germline. Affected: yes.
Comment: The c.823delC pathogenic variant in the AIRE gene causes a frameshift starting with codon Glutamine 275, changes this amino acid to a Serine residue and creates a premature Stop codon at position 103 of the new reading frame, denoted p.Gln275SerfsX103. This variant is predicted to cause loss of normal protein function either through protein truncation or nonsense-mediated mRNA decay.

Literature cited by the submitters: PubMed 11524731 (cited by Labcorp Genetics (formerly Invitae), Labcorp); PubMed 26141571 (cited by Labcorp Genetics (formerly Invitae), Labcorp).

NM_000383.4(AIRE):c.823del (p.Gln275fs)

Gene: AIRE (autoimmune regulator; plus strand). Cytogenetic location: 21q22.3.
Variant type: Deletion.
Coding change: c.823del on transcript NM_000383.4 (MANE Select); coding-DNA position 823, one base deleted (C; older notation c.823delC).
Protein change: p.Gln275fs; shifts the reading frame from glutamine 275.
Molecular consequence: frameshift variant.
Genome position (GRCh38, 1-based): chr21:44,290,012, C deleted; the last of 2 consecutive C bases (chr21:44,290,011-44,290,012); deleting either gives the same sequence. VCF-style (leftmost placement, unchanged base first): chr21-44290010-GC-G. GRCh37 (hg19) VCF-style: chr21-45709893-GC-G.
Other names: c.823del (LRG_18t1); short protein forms Q275fs.
Identifiers: ClinVar variation 372300 (VCV000372300.6), dbSNP rs764819068, ClinGen allele CA10051742.